The following is an entry in ClinVar:

ClinVar aggregate classification (germline): Uncertain significance (1 of 4 stars; one submission).

Conditions:
Type A2 brachydactyly (BDA2). Also called: BRACHYMESOPHALANGY II; MOHR-WRIEDT TYPE BRACHYDACTYLY; Brachymesophalangy type 2. Identifiers: Orphanet 93396, MedGen C1832702, MONDO:0007216, OMIM 112600, HP:0009372.
Acromesomelic dysplasia 3 (AMD3). Also called: CHONDRODYSPLASIA, ACROMESOMELIC, WITH OR WITHOUT GENITAL ANOMALIES; Acromesomelic dysplasia, Demirhan type. Identifiers: MedGen C4225404, MONDO:0012274, OMIM 609441.

gnomAD v4.1: 6 of 1,613,868 alleles (0.00037%); highest among the groups gnomAD compares: Admixed American, 0.0017%; no homozygotes.

Submission:

Labcorp Genetics (formerly Invitae), Labcorp
Classification: Uncertain significance for Type A2 brachydactyly; Acromesomelic dysplasia 3. Last evaluated: 2023-06-21. Review status: criteria provided, single submitter. Criteria: Invitae Variant Classification Sherloc (09022015). Collection method: clinical testing. Allele origin: germline.
Comment: This sequence change replaces phenylalanine, which is neutral and non-polar, with cysteine, which is neutral and slightly polar, at codon 242 of the BMPR1B protein (p.Phe242Cys). This variant is present in population databases (rs754133041, gnomAD 0.007%). This variant has not been reported in the literature in individuals affected with BMPR1B-related conditions. Advanced modeling of protein sequence and biophysical properties (such as structural, functional, and spatial information, amino acid conservation, physicochemical variation, residue mobility, and thermodynamic stability) performed at Invitae indicates that this missense variant is not expected to disrupt BMPR1B protein function. In summary, the available evidence is currently insufficient to determine the role of this variant in disease. Therefore, it has been classified as a Variant of Uncertain Significance.

NM_001203.3(BMPR1B):c.725T>G (p.Phe242Cys)

Gene: BMPR1B (bone morphogenetic protein receptor type 1B; plus strand). Cytogenetic location: 4q22.3.
Variant type: single nucleotide variant.
Coding change: c.725T>G on transcript NM_001203.3 (MANE Select); coding-DNA position 725, T replaced by G.
Protein change: p.Phe242Cys; replaces phenylalanine 242 with cysteine.
Molecular consequence: missense variant.
Genome position (GRCh38, 1-based): chr4:95,130,001, T>G. VCF-style: chr4-95130001-T-G. GRCh37 (hg19) VCF-style: chr4-96051152-T-G.
Other names: c.725T>G, p.Phe242Cys (NM_001256792.2, NM_001256794.1); c.815T>G, p.Phe272Cys (NM_001256793.2); short protein forms F242C, F272C.
Identifiers: ClinVar variation 2950117 (VCV002950117.3), dbSNP rs754133041, ClinGen allele CA3015066.
Genomic context (GRCh38, chr4:95,130,001, plus strand): 5'-AGTGGCGTGGCGAAAAGGTAGCTGTGAAAGTGTTCTTCACCACAGAGGAAGCCAGCTGGT[T>G]CAGAGAGACAGAAATATATCAGACAGTGTTGATGAGGCATGAAAACATTTTGGGTGAGTA-3'
Protein context (NP_001194.1, residues 232-252): VFFTTEEASW[Phe242Cys]RETEIYQTVL